The following is an entry in ClinVar:

ClinVar aggregate classification (germline): Likely pathogenic (1 of 4 stars; one submission).

Conditions:
Multicentric osteolysis, nodulosis, and arthropathy (MONA). Also called: AL-AQEEL SEWAIRI SYNDROME; NAO SYNDROME; Torg-Winchester syndrome; OSTEOLYSIS, HEREDITARY MULTICENTRIC; TORG SYNDROME. Identifiers: MedGen CN322832, MONDO:0009809, OMIM 259600.

Submission:

Laboratorio de Genetica e Diagnostico Molecular, Hospital Israelita Albert Einstein
Classification: Likely pathogenic for Multicentric osteolysis, nodulosis, and arthropathy. Last evaluated: 2026-02-23. Review status: criteria provided, single submitter. Criteria: ACMG Guidelines, 2015. Collection method: clinical testing. Allele origin: germline. Affected: yes.
Comment: ACMG classification criteria: PVS1 very strong, PM2 supporting

NM_004530.6(MMP2):c.1610-1G>C

Gene: MMP2 (matrix metallopeptidase 2; plus strand). Cytogenetic location: 16q12.2.
Variant type: single nucleotide variant.
Coding change: c.1610-1G>C on transcript NM_004530.6 (MANE Select); the canonical splice acceptor site of the intron before coding-DNA position 1610, G replaced by C.
Molecular consequence: splice acceptor variant.
Genome position (GRCh38, 1-based): chr16:55,498,288, G>C. VCF-style: chr16-55498288-G-C. GRCh37 (hg19) VCF-style: chr16-55532200-G-C.
Other names: c.1382-1G>C (NM_001302508.1, NM_001302510.2, NM_001302509.2); c.1460-1G>C (NM_001127891.3).
Identifiers: ClinVar variation 4846857 (VCV004846857.1).